The following is an entry in ClinVar:

ClinVar aggregate classification (germline): Conflicting classifications of pathogenicity. Review status: criteria provided, conflicting classifications (1 of 4 stars). 3 submissions from 3 submitters: Uncertain significance (2); Likely benign (1). Last evaluated 2025-01-18.

Allele frequency attached by ClinVar (database versions not stated): ExAC 0.00002; gnomAD exomes 0.00002; TOPMed 0.00003; gnomAD 0.00005; ESP Exome Variant Server 0.00008.
gnomAD v4.1: 42 of 1,614,088 alleles (0.0026%); highest among the groups gnomAD compares: Non-Finnish European, 0.0033%; 1 homozygote.

Submissions (3):

Ambry Genetics
Classification: Uncertain significance. Last evaluated: 2025-01-18. Review status: criteria provided, single submitter. Criteria: Ambry Variant Classification Scheme 2023. Collection method: clinical testing. Allele origin: germline.

Labcorp Genetics (formerly Invitae), Labcorp
Classification: Uncertain significance. Last evaluated: 2023-12-02. Review status: criteria provided, single submitter. Criteria: Invitae Variant Classification Sherloc (09022015). Collection method: clinical testing. Allele origin: germline.
Comment: This sequence change replaces arginine, which is basic and polar, with lysine, which is basic and polar, at codon 392 of the MAP3K8 protein (p.Arg392Lys). This variant is present in population databases (rs371438608, gnomAD 0.004%). This variant has not been reported in the literature in individuals affected with MAP3K8-related conditions. An algorithm developed to predict the effect of missense changes on protein structure and function (PolyPhen-2) suggests that this variant is likely to be tolerated. In summary, the available evidence is currently insufficient to determine the role of this variant in disease. Therefore, it has been classified as a Variant of Uncertain Significance.

Blueprint Genetics
Classification: Likely benign. Last evaluated: 2023-03-20. Review status: criteria provided, single submitter. Criteria: ACMG Guidelines, 2015. Collection method: clinical testing. Allele origin: germline.

NM_005204.4(MAP3K8):c.1175G>A (p.Arg392Lys)

Gene: MAP3K8 (mitogen-activated protein kinase kinase kinase 8; plus strand). Cytogenetic location: 10p11.23.
Variant type: single nucleotide variant.
Coding change: c.1175G>A on transcript NM_005204.4 (MANE Select); coding-DNA position 1175, G replaced by A.
Protein change: p.Arg392Lys; replaces arginine 392 with lysine.
Molecular consequence: missense variant.
Genome position (GRCh38, 1-based): chr10:30,459,403, G>A. VCF-style: chr10-30459403-G-A. GRCh37 (hg19) VCF-style: chr10-30748332-G-A.
Other names: c.1175G>A (NM_005204.3); c.1175G>A, p.Arg392Lys (NM_001244134.1, NM_001320961.2); short protein forms R392K.
Identifiers: ClinVar variation 2992031 (VCV002992031.5), dbSNP rs371438608, ClinGen allele CA5459874.